The following is an entry in ClinVar:

ClinVar aggregate classification (germline): Likely benign. Review status: criteria provided, single submitter (1 of 4 stars). 3 submissions from 3 submitters: Likely benign (1). 2 of the submissions do not count toward it. Last evaluated 2025-02-17.

Conditions:
TECPR2-related disorder. Also called: TECPR2-related condition.
Hereditary spastic paraplegia 49 (HSAN9). Also called: TECPR2-Related Hereditary Sensory and Autonomic Neuropathy with Intellectual Disability; Spastic paraplegia 49, autosomal recessive; NEUROPATHY, HEREDITARY SENSORY AND AUTONOMIC, TYPE IX, WITH DEVELOPMENTAL DELAY. Identifiers: Orphanet 320385, MedGen C5190860, MONDO:0014016, OMIM 615031.

Allele frequency attached by ClinVar (database versions not stated): gnomAD exomes 0.00004 and 0.00007; ExAC 0.00008; TOPMed 0.00025; gnomAD 0.00029 and 0.00031; ESP Exome Variant Server 0.00031.
gnomAD v4.1: 120 of 1,613,806 alleles (0.0074%); highest among the groups gnomAD compares: African/African-American, 0.096%; 1 homozygote.

Submissions (3):

Labcorp Genetics (formerly Invitae), Labcorp
Classification: Likely benign for Hereditary spastic paraplegia 49. Last evaluated: 2025-02-17. Review status: criteria provided, single submitter. Criteria: Invitae Variant Classification Sherloc (09022015). Collection method: clinical testing. Allele origin: germline.

Natera, Inc.
Classification: Likely benign for Autosomal recessive spastic paraplegia type 49. Last evaluated: 2020-09-16. Review status: no assertion criteria provided. Collection method: clinical testing. Allele origin: germline. Not counted in ClinVar's aggregate classification.

PreventionGenetics, part of Exact Sciences
Classification: Likely benign for TECPR2-related condition. Last evaluated: 2019-09-18. Review status: no assertion criteria provided. Collection method: clinical testing. Allele origin: germline. Not counted in ClinVar's aggregate classification.
Comment: This variant is classified as likely benign based on ACMG/AMP sequence variant interpretation guidelines (Richards et al. 2015 PMID: 25741868, with internal and published modifications).

NM_014844.5(TECPR2):c.3294C>T (p.His1098=)

Gene: TECPR2 (tectonin beta-propeller repeat containing 2; plus strand). Cytogenetic location: 14q32.31.
Variant type: single nucleotide variant.
Coding change: c.3294C>T on transcript NM_014844.5 (MANE Select); coding-DNA position 3294, C replaced by T.
Protein change: p.His1098=; no amino-acid change (histidine 1098 retained).
Molecular consequence: synonymous variant.
Genome position (GRCh38, 1-based): chr14:102,449,847, C>T. VCF-style: chr14-102449847-C-T. GRCh37 (hg19) VCF-style: chr14-102916184-C-T.
Other names: c.3294C>T, p.His1098= (NM_001172631.3); c.3294C>T (NM_014844.4).
Identifiers: ClinVar variation 698199 (VCV000698199.15), dbSNP rs144141409, ClinGen allele CA7358177.